The following is an entry in ClinVar:

NM_000722.4(CACNA2D1):c.1671T>C (p.Asn557=)

Gene: CACNA2D1 (calcium voltage-gated channel auxiliary subunit alpha2delta 1; minus strand). Cytogenetic location: 7q21.11.
Variant type: single nucleotide variant.
Coding change: c.1671T>C on transcript NM_000722.4 (MANE Select); coding-DNA position 1671, T replaced by C.
Protein change: p.Asn557=; no amino-acid change (asparagine 557 retained).
Molecular consequence: synonymous variant.
Genome position (GRCh38, 1-based): chr7:81,994,931, A>G on the plus strand (T>C on the coding strand, the complement: CACNA2D1 is on the minus strand). VCF-style: chr7-81994931-A-G. GRCh37 (hg19) VCF-style: chr7-81624247-A-G.
Other names: c.1728T>C, p.Asn576= (NM_001366867.1).
Identifiers: ClinVar variation 682480 (VCV000682480.1), dbSNP rs1584331308, ClinGen allele CA456130672.

ClinVar aggregate classification (germline): Likely benign (1 of 4 stars; one submission).

Submission:

GeneDx
Classification: Likely benign. Last evaluated: 2018-05-02. Review status: criteria provided, single submitter. Criteria: GeneDx Variant Classification (06012015). Collection method: clinical testing. Allele origin: germline. Affected: yes.
Comment: This variant is considered likely benign or benign based on one or more of the following criteria: it is a conservative change, it occurs at a poorly conserved position in the protein, it is predicted to be benign by multiple in silico algorithms, and/or has population frequency not consistent with disease.